The following is an entry in ClinVar:

ClinVar aggregate classification (germline): Conflicting classifications of pathogenicity. Review status: criteria provided, conflicting classifications (1 of 4 stars). 7 submissions from 7 submitters: Uncertain significance (6); Likely benign (1). Last evaluated 2024-08-06.

Conditions:
BRCA2-related cancer predisposition. Identifiers: MedGen CN377758, MONDO:0700269.
Hereditary cancer-predisposing syndrome. Also called: Hereditary neoplastic syndrome; Neoplastic Syndromes, Hereditary; Tumor predisposition; Hereditary Cancer Syndrome. Identifiers: Orphanet 140162, MedGen C0027672, MeSH D009386, MONDO:0015356.
Hereditary breast ovarian cancer syndrome. Also called: Hereditary breast and ovarian cancer syndrome (HBOC); Breast and ovarian cancer; Hereditary breast and/or ovarian cancer syndrome; BRCA1- and BRCA2-Associated Hereditary Breast and Ovarian Cancer; Hereditary breast and ovarian cancer syndrome; Hereditary breast and ovarian cancer. Identifiers: Orphanet 145, MedGen C0677776, MeSH D061325, MONDO:0003582. Disease mechanism: loss of function.

Allele frequency attached by ClinVar (database versions not stated): ExAC 0.00001.

Submissions (7):

All of Us Research Program, National Institutes of Health
Classification: Uncertain significance for BRCA2-related cancer predisposition. Last evaluated: 2024-08-06. Review status: criteria provided, single submitter. Criteria: ACMG Guidelines, 2015. Collection method: clinical testing. Allele origin: germline. Inheritance: Autosomal dominant inheritance. Observed: 3 variant alleles, 3 heterozygotes.
Comment: This missense variant replaces glycine with alanine at codon 1370 of the BRCA2 protein. Computational prediction suggests that this variant may not impact protein structure and function (internally defined REVEL score threshold <= 0.5, PMID: 27666373). To our knowledge, functional studies have not been reported for this variant. This variant has been reported in an individual affected with kidney cancer (PMID: 26689913). This variant has been identified in 1/243242 chromosomes in the general population by the Genome Aggregation Database (gnomAD). The available evidence is insufficient to determine the role of this variant in disease conclusively. Therefore, this variant is classified as a Variant of Uncertain Significance.

This study involves interpretation of variants in research participants for the purpose of population health screening. Participant phenotype was not available at the time of variant classification. Additional details can be found in publication PMID: 35346344, PMCID: PMC8962531

Labcorp Genetics (formerly Invitae), Labcorp
Classification: Uncertain significance for Hereditary breast ovarian cancer syndrome. Last evaluated: 2024-02-17. Review status: criteria provided, single submitter. Criteria: Invitae Variant Classification Sherloc (09022015). Collection method: clinical testing. Allele origin: germline.
Comment: This sequence change replaces glycine, which is neutral and non-polar, with alanine, which is neutral and non-polar, at codon 1370 of the BRCA2 protein (p.Gly1370Ala). This variant is present in population databases (rs587781406, gnomAD 0.0009%). This missense change has been observed in individual(s) with breast or ovarian cancer (PMID: 35070997). ClinVar contains an entry for this variant (Variation ID: 186065). Advanced modeling of protein sequence and biophysical properties (such as structural, functional, and spatial information, amino acid conservation, physicochemical variation, residue mobility, and thermodynamic stability) performed at Invitae indicates that this missense variant is not expected to disrupt BRCA2 protein function with a negative predictive value of 95%. In summary, the available evidence is currently insufficient to determine the role of this variant in disease. Therefore, it has been classified as a Variant of Uncertain Significance.

Ambry Genetics
Classification: Uncertain significance for Hereditary cancer-predisposing syndrome. Last evaluated: 2023-11-27. Review status: criteria provided, single submitter. Criteria: Ambry Variant Classification Scheme 2023. Collection method: clinical testing. Allele origin: germline.
Comment: The p.G1370A variant (also known as c.4109G>C), located in coding exon 10 of the BRCA2 gene, results from a G to C substitution at nucleotide position 4109. The glycine at codon 1370 is replaced by alanine, an amino acid with similar properties. This amino acid position is poorly conserved in available vertebrate species. In addition, this alteration is predicted to be tolerated by in silico analysis. Since supporting evidence is limited at this time, the clinical significance of this alteration remains unclear.

Women's Health and Genetics/Laboratory Corporation of America, LabCorp
Classification: Uncertain significance. Last evaluated: 2023-10-09. Review status: criteria provided, single submitter. Criteria: LabCorp Variant Classification Summary - May 2015. Collection method: clinical testing. Allele origin: germline.
Comment: Variant summary: BRCA2 c.4109G>C (p.Gly1370Ala) results in a non-conservative amino acid change in the encoded protein sequence. Four of five in-silico tools predict a benign effect of the variant on protein function. The variant was absent in 248174 control chromosomes (gnomAD). The available data on variant occurrences in the general population are insufficient to allow any conclusion about variant significance. c.4109G>C has been reported in the literature in individual(s) affected with breast- or ovarian cancer (Tran_2022), however it was also reported in women, older than age 70 years who have never had cancer (in the FLOSSIES database). These reports do not provide unequivocal conclusions about association of the variant with Hereditary Breast and Ovarian Cancer Syndrome. To our knowledge, no experimental evidence demonstrating an impact on protein function has been reported. The following publication has been ascertained in the context of this evaluation (PMID: 35070997). Five submitters have cited clinical-significance assessments for this variant to ClinVar after 2014. Based on the evidence outlined above, the variant was classified as uncertain significance.

Color Diagnostics, LLC DBA Color Health
Classification: Uncertain significance for Hereditary cancer-predisposing syndrome. Last evaluated: 2023-08-03. Review status: criteria provided, single submitter. Criteria: ACMG Guidelines, 2015. Collection method: clinical testing. Allele origin: germline.
Comment: This missense variant replaces glycine with alanine at codon 1370 of the BRCA2 protein. Computational prediction suggests that this variant may not impact protein structure and function (internally defined REVEL score threshold <= 0.5, PMID: 27666373). To our knowledge, functional studies have not been reported for this variant. This variant has been reported in an individual affected with kidney cancer (PMID: 26689913). This variant has been identified in 1/243242 chromosomes in the general population by the Genome Aggregation Database (gnomAD). The available evidence is insufficient to determine the role of this variant in disease conclusively. Therefore, this variant is classified as a Variant of Uncertain Significance.

University of Washington Department of Laboratory Medicine, University of Washington
Classification: Likely benign for Hereditary cancer-predisposing syndrome. Last evaluated: 2023-03-23. Review status: criteria provided, single submitter. Criteria: Dines et al. (Genet Med. 2020). Collection method: curation. Allele origin: germline.
Comment: Missense variant in a coldspot region where missense variants are very unlikely to be pathogenic (PMID:31911673).

BRCA2 exon 11 coldspot. Reclassification based on statistical prior probability.

Quest Diagnostics Nichols Institute San Juan Capistrano
Classification: Uncertain significance. Last evaluated: 2021-02-26. Review status: criteria provided, single submitter. Criteria: Quest Diagnostics criteria. Collection method: clinical testing. Allele origin: unknown.

Literature cited by the submitters: PubMed 26689913 (cited by 3 submitters); PubMed 35070997 (cited by Labcorp Genetics (formerly Invitae), Labcorp and Women's Health and Genetics/Laboratory Corporation of America, LabCorp).

NM_000059.4(BRCA2):c.4109G>C (p.Gly1370Ala)

Gene: BRCA2 (BRCA2 DNA repair associated; plus strand). Cytogenetic location: 13q13.1.
Variant type: single nucleotide variant.
Coding change: c.4109G>C on transcript NM_000059.4 (MANE Select); coding-DNA position 4109, G replaced by C.
Protein change: p.Gly1370Ala; replaces glycine 1370 with alanine.
Molecular consequence: missense variant.
Genome position (GRCh38, 1-based): chr13:32,338,464, G>C. VCF-style: chr13-32338464-G-C. GRCh37 (hg19) VCF-style: chr13-32912601-G-C.
Other names: short protein forms G1370A.
Identifiers: ClinVar variation 186065 (VCV000186065.26), dbSNP rs587781406, ClinGen allele CA019538.